The following is an entry in ClinVar:

ClinVar aggregate classification (germline): Conflicting classifications of pathogenicity. Review status: criteria provided, conflicting classifications (1 of 4 stars). 2 submissions from 2 submitters: Uncertain significance (1); Likely benign (1). Last evaluated 2023-09-11.

Conditions:
EP300-related disorder. Also called: EP300-related condition; EP300-related disorders.
Rubinstein-Taybi syndrome due to EP300 haploinsufficiency. Also called: EP300-Related Rubinstein-Taybi Syndrome; RUBINSTEIN-TAYBI SYNDROME 2. Identifiers: Orphanet 353284, Orphanet 783, MedGen C3150941, MONDO:0013364, OMIM 613684.

Allele frequency attached by ClinVar (database versions not stated): gnomAD exomes below 0.00001; ExAC 0.00001.

Submissions (2):

PreventionGenetics, part of Exact Sciences
Classification: Uncertain significance for EP300-related condition. Last evaluated: 2023-09-11. Review status: criteria provided, single submitter. Criteria: ACMG Guidelines, 2015. Collection method: clinical testing. Allele origin: germline.
Comment: The EP300 c.1467G>T variant is predicted to result in the amino acid substitution p.Lys489Asn. To our knowledge, this variant has not been reported in the literature. This variant is reported in 0.00088% of alleles in individuals of European (Non-Finnish) descent in gnomAD. At this time, the clinical significance of this variant is uncertain due to the absence of conclusive functional and genetic evidence.

Labcorp Genetics (formerly Invitae), Labcorp
Classification: Likely benign for Rubinstein-Taybi syndrome due to EP300 haploinsufficiency. Last evaluated: 2023-04-01. Review status: criteria provided, single submitter. Criteria: Invitae Variant Classification Sherloc (09022015). Collection method: clinical testing. Allele origin: germline.

NM_001429.4(EP300):c.1467G>T (p.Lys489Asn)

Gene: EP300 (EP300 lysine acetyltransferase; plus strand). Cytogenetic location: 22q13.2.
Variant type: single nucleotide variant.
Coding change: c.1467G>T on transcript NM_001429.4 (MANE Select); coding-DNA position 1467, G replaced by T.
Protein change: p.Lys489Asn; replaces lysine 489 with asparagine.
Molecular consequence: missense variant.
Genome position (GRCh38, 1-based): chr22:41,131,572, G>T. VCF-style: chr22-41131572-G-T. GRCh37 (hg19) VCF-style: chr22-41527576-G-T.
Other names: c.1467G>T, p.Lys489Asn (NM_001362843.2); short protein forms K489N.
Identifiers: ClinVar variation 2631309 (VCV002631309.4), dbSNP rs769024926, ClinGen allele CA10252518.